The following is an entry in ClinVar:

ClinVar aggregate classification (germline): Uncertain significance. Review status: criteria provided, multiple submitters, no conflicts (2 of 4 stars). 2 submissions from 2 submitters: Uncertain significance (2). Last evaluated 2025-09-15.

Conditions:
Hereditary cancer-predisposing syndrome. Also called: Tumor predisposition; Hereditary Cancer Syndrome; Hereditary neoplastic syndrome; Neoplastic Syndromes, Hereditary. Identifiers: Orphanet 140162, MedGen C0027672, MeSH D009386, MONDO:0015356.

gnomAD v4.1: 7 of 1,611,568 alleles (0.00043%); highest among the groups gnomAD compares: Non-Finnish European, 0.00059%; no homozygotes.

Submissions (2):

Labcorp Genetics (formerly Invitae), Labcorp
Classification: Uncertain significance. Last evaluated: 2025-09-15. Review status: criteria provided, single submitter. Criteria: Invitae Variant Classification Sherloc (09022015). Collection method: clinical testing. Allele origin: germline.
Comment: This sequence change replaces histidine, which is basic and polar, with tyrosine, which is neutral and polar, at codon 60 of the XRCC2 protein (p.His60Tyr). This variant is not present in population databases (gnomAD no frequency). This variant has not been reported in the literature in individuals affected with XRCC2-related conditions. ClinVar contains an entry for this variant (Variation ID: 486733). Invitae Evidence Modeling of protein sequence and biophysical properties (such as structural, functional, and spatial information, amino acid conservation, physicochemical variation, residue mobility, and thermodynamic stability) has been performed for this missense variant. However, the output from this modeling did not meet the statistical confidence thresholds required to predict the impact of this variant on XRCC2 protein function. In summary, the available evidence is currently insufficient to determine the role of this variant in disease. Therefore, it has been classified as a Variant of Uncertain Significance.

Ambry Genetics
Classification: Uncertain significance for Hereditary cancer-predisposing syndrome. Last evaluated: 2022-04-28. Review status: criteria provided, single submitter. Criteria: Ambry Variant Classification Scheme 2023. Collection method: clinical testing. Allele origin: germline.
Comment: The p.H60Y variant (also known as c.178C>T), located in coding exon 3 of the XRCC2 gene, results from a C to T substitution at nucleotide position 178. The histidine at codon 60 is replaced by tyrosine, an amino acid with similar properties. This amino acid position is highly conserved in available vertebrate species. In addition, the in silico prediction for this alteration is inconclusive. Since supporting evidence is limited at this time, the clinical significance of this alteration remains unclear.

NM_005431.2(XRCC2):c.178C>T (p.His60Tyr)

Gene: XRCC2 (X-ray repair cross complementing 2; minus strand). Cytogenetic location: 7q36.1.
Variant type: single nucleotide variant.
Coding change: c.178C>T on transcript NM_005431.2 (MANE Select); coding-DNA position 178, C replaced by T.
Protein change: p.His60Tyr; replaces histidine 60 with tyrosine.
Molecular consequence: missense variant.
Genome position (GRCh38, 1-based): chr7:152,649,307, G>A on the plus strand (C>T on the coding strand, the complement: XRCC2 is on the minus strand). VCF-style: chr7-152649307-G-A. GRCh37 (hg19) VCF-style: chr7-152346392-G-A.
Other names: short protein forms H60Y.
Identifiers: ClinVar variation 486733 (VCV000486733.6), dbSNP rs1554410567, ClinGen allele CA370199254.
Genomic context (GRCh38, chr7:152,649,307, plus strand): 5'-ATAAGACTTCTACTTCCAGGCCACCTTCTGATTTGGGAAGTATACATCGTGCTGTTAGGT[G>A]ATAAAGCATTTCTGTTTTTCCTGTTCCTTCTGGGCCATGAAATTCAAGAATATCACCTGT-3'
Protein context (NP_005422.1, residues 50-70): EGTGKTEMLY[His60Tyr]LTARCILPKS